The following is an entry in ClinVar:

ClinVar aggregate classification (germline): Uncertain significance. Review status: criteria provided, multiple submitters, no conflicts (2 of 4 stars). 3 submissions from 3 submitters: Uncertain significance (3). Last evaluated 2026-08-29.

Conditions:
Dilated cardiomyopathy 1W (CMD1W). Identifiers: Orphanet 154, MedGen C1969639, MONDO:0012667, OMIM 611407.
Cardiovascular phenotype. Identifiers: MedGen CN230736.
Hypertrophic cardiomyopathy 15. Identifiers: MedGen C2750459, MONDO:0013200, OMIM 613255.

Allele frequency attached by ClinVar (database versions not stated): gnomAD exomes below 0.00001 and 0.00002.
gnomAD v4.1: 29 of 1,613,984 alleles (0.0018%); highest among the groups gnomAD compares: Non-Finnish European, 0.0024%; no homozygotes.

Submissions (3):

Ambry Genetics
Classification: Uncertain significance for Cardiovascular phenotype. Last evaluated: 2026-08-29. Review status: criteria provided, single submitter. Criteria: Ambry Variant Classification Scheme 2023. Collection method: clinical testing. Allele origin: germline.
Comment: The p.D627N variant (also known as c.1879G>A), located in coding exon 14 of the VCL gene, results from a G to A substitution at nucleotide position 1879. The aspartic acid at codon 627 is replaced by asparagine, an amino acid with highly similar properties. This amino acid position is conserved. In addition, this alteration is predicted to be tolerated by in silico analysis. Based on the available evidence, the clinical significance of this variant remains unclear.

Labcorp Genetics (formerly Invitae), Labcorp
Classification: Uncertain significance for Dilated cardiomyopathy 1W. Last evaluated: 2025-02-12. Review status: criteria provided, single submitter. Criteria: Invitae Variant Classification Sherloc (09022015). Collection method: clinical testing. Allele origin: germline.
Comment: This sequence change replaces aspartic acid, which is acidic and polar, with asparagine, which is neutral and polar, at codon 627 of the VCL protein (p.Asp627Asn). This variant is present in population databases (no rsID available, gnomAD 0.0009%). This variant has not been reported in the literature in individuals affected with VCL-related conditions. ClinVar contains an entry for this variant (Variation ID: 834674). An algorithm developed to predict the effect of missense changes on protein structure and function (PolyPhen-2) suggests that this variant is likely to be tolerated. In summary, the available evidence is currently insufficient to determine the role of this variant in disease. Therefore, it has been classified as a Variant of Uncertain Significance.

Fulgent Genetics
Classification: Uncertain significance for Dilated cardiomyopathy 1W; Hypertrophic cardiomyopathy 15. Last evaluated: 2021-07-21. Review status: criteria provided, single submitter. Criteria: ACMG Guidelines, 2015. Collection method: clinical testing. Allele origin: unknown.

NM_014000.3(VCL):c.1879G>A (p.Asp627Asn)

Gene: VCL (vinculin; plus strand). Cytogenetic location: 10q22.2.
Variant type: single nucleotide variant.
Coding change: c.1879G>A on transcript NM_014000.3 (MANE Select); coding-DNA position 1879, G replaced by A.
Protein change: p.Asp627Asn; replaces aspartic acid 627 with asparagine.
Molecular consequence: missense variant.
Genome position (GRCh38, 1-based): chr10:74,100,954, G>A. VCF-style: chr10-74100954-G-A. GRCh37 (hg19) VCF-style: chr10-75860712-G-A.
Other names: c.1879G>A, p.Asp627Asn (NM_003373.4); short protein forms D627N.
Identifiers: ClinVar variation 834674 (VCV000834674.10), dbSNP rs1251173111, ClinGen allele CA377277343.